The following is an entry in ClinVar:

NM_025103.4(IFT74):c.933G>C (p.Gln311His)

Gene: IFT74 (intraflagellar transport 74; plus strand). Cytogenetic location: 9p21.2.
Variant type: single nucleotide variant.
Coding change: c.933G>C on transcript NM_025103.4 (MANE Select); coding-DNA position 933, G replaced by C.
Protein change: p.Gln311His; replaces glutamine 311 with histidine.
Molecular consequence: missense variant.
Genome position (GRCh38, 1-based): chr9:27,017,050, G>C. VCF-style: chr9-27017050-G-C. GRCh37 (hg19) VCF-style: chr9-27017048-G-C.
Other names: c.933G>C, p.Gln311His (NM_001099222.3, NM_001099223.3, NM_001099224.3 and 1 more transcripts); short protein forms Q311H.
Identifiers: ClinVar variation 4995760 (VCV004995760.1).

ClinVar aggregate classification (germline): Uncertain significance (1 of 4 stars; one submission).

Conditions:
IFT74-related disorder. Also called: IFT74-Related Disorders; IFT74-related condition.

Submission:

PreventionGenetics, part of Exact Sciences
Classification: Uncertain significance for IFT74-related condition. Last evaluated: 2026-04-03. Review status: criteria provided, single submitter. Criteria: ACMG Guidelines, 2015. Collection method: clinical testing. Allele origin: germline.
Comment: The IFT74 c.933G>C variant is predicted to result in the amino acid substitution p.Gln311His. To our knowledge, this variant has not been reported in the literature or in a large population database (gnomAD), indicating this variant is rare. At this time, the clinical significance of this variant is uncertain due to the absence of conclusive functional and genetic evidence.